The following is an entry in ClinVar:

ClinVar aggregate classification (germline): Uncertain significance (1 of 4 stars; one submission).

Conditions:
Inborn genetic diseases. Identifiers: MedGen C0950123, MeSH D030342.

gnomAD v4.1: 2 of 1,614,206 alleles (0.00012%); highest among the groups gnomAD compares: Admixed American, 0.0033%; no homozygotes.

Submission:

Ambry Genetics
Classification: Uncertain significance for Inborn genetic diseases. Last evaluated: 2026-05-10. Review status: criteria provided, single submitter. Criteria: Ambry Variant Classification Scheme 2023. Collection method: clinical testing. Allele origin: germline.
Comment: The c.1574T>C (p.M525T) alteration is located in exon 13 (coding exon 13) of the KLHL3 gene. This alteration results from a T to C substitution at nucleotide position 1574, causing the methionine (M) at amino acid position 525 to be replaced by a threonine (T). Based on data from gnomAD, the C allele has an overall frequency of <0.001% (1/251452) total alleles studied. The highest observed frequency was 0.003% (1/34588) of Latino alleles. Based on insufficient or conflicting evidence, the clinical significance of this alteration remains unclear.

NM_017415.3(KLHL3):c.1574T>C (p.Met525Thr)

Gene: KLHL3 (kelch like family member 3; minus strand). Cytogenetic location: 5q31.2.
Variant type: single nucleotide variant.
Coding change: c.1574T>C on transcript NM_017415.3 (MANE Select); coding-DNA position 1574, T replaced by C.
Protein change: p.Met525Thr; replaces methionine 525 with threonine.
Molecular consequence: missense variant.
Genome position (GRCh38, 1-based): chr5:137,628,314, A>G on the plus strand (T>C on the coding strand, the complement: KLHL3 is on the minus strand). VCF-style: chr5-137628314-A-G. GRCh37 (hg19) VCF-style: chr5-136964003-A-G.
Other names: c.1478T>C, p.Met493Thr (NM_001257194.1); c.1328T>C, p.Met443Thr (NM_001257195.2); short protein forms M443T, M493T, M525T.
Identifiers: ClinVar variation 4858957 (VCV004858957.1).